The following is an entry in ClinVar:

ClinVar aggregate classification (germline): Benign/Likely benign. Review status: criteria provided, multiple submitters, no conflicts (2 of 4 stars). 2 submissions from 2 submitters: Benign (1); Likely benign (1). Last evaluated 2026-06-20.

Conditions:
Juvenile polyposis/hereditary hemorrhagic telangiectasia syndrome (JPHT). Also called: JP/HHT SYNDROME; JUVENILE POLYPOSIS WITH HEREDITARY HEMORRHAGIC TELANGIECTASIA; POLYPOSIS, GENERALIZED JUVENILE, WITH PULMONARY ARTERIOVENOUS MALFORMATION; TELANGIECTASIA, HEREDITARY HEMORRHAGIC, WITH JUVENILE POLYPOSIS COLI; Juvenile Polyposis Syndrome / Hereditary Hemorrhagic Telangiectasia (JPS/HHT). Identifiers: Orphanet 2929, MedGen C1832942, MONDO:0008278, OMIM 175050.
Hereditary cancer-predisposing syndrome. Also called: Hereditary Cancer Syndrome; Hereditary neoplastic syndrome; Neoplastic Syndromes, Hereditary; Tumor predisposition. Identifiers: Orphanet 140162, MedGen C0027672, MeSH D009386, MONDO:0015356.
Familial thoracic aortic aneurysm and aortic dissection (TAAD). Also called: Thoracic aortic aneurysms and dissections. Identifiers: Orphanet 91387, MedGen C4707243, MONDO:0019625.

Submissions (2):

Ambry Genetics
Classification: Likely benign for Hereditary cancer-predisposing syndrome; Familial thoracic aortic aneurysm and aortic dissection. Last evaluated: 2026-06-20. Review status: criteria provided, single submitter. Criteria: Ambry Variant Classification Scheme 2023. Collection method: clinical testing. Allele origin: germline.

Myriad Genetics, Inc.
Classification: Benign for Juvenile polyposis/hereditary hemorrhagic telangiectasia syndrome. Last evaluated: 2025-03-19. Review status: criteria provided, single submitter. Criteria: Myriad Autosomal Dominant, Autosomal Recessive and X-Linked Classification Criteria (2023). Collection method: clinical testing. Allele origin: unknown.
Comment: This variant is considered benign. This variant is a silent/synonymous amino acid change and it is not expected to impact splicing.

NM_005359.6(SMAD4):c.687G>A (p.Leu229=)

Gene: SMAD4 (SMAD family member 4; plus strand). Cytogenetic location: 18q21.2.
Variant type: single nucleotide variant.
Coding change: c.687G>A on transcript NM_005359.6 (MANE Select); coding-DNA position 687, G replaced by A.
Protein change: p.Leu229=; no amino-acid change (leucine 229 retained).
Molecular consequence: synonymous variant. On other transcripts: non-coding transcript variant (2).
Genome position (GRCh38, 1-based): chr18:51,058,144, G>A. VCF-style: chr18-51058144-G-A. GRCh37 (hg19) VCF-style: chr18-48584514-G-A.
Other names: c.687G>A, p.Leu229= (NM_001407041.1, NM_001407042.1, NM_001407043.1).
Identifiers: ClinVar variation 3903599 (VCV003903599.2).